The following is an entry in ClinVar:

ClinVar aggregate classification (germline): Uncertain significance (1 of 4 stars; one submission).

Conditions:
Fanconi anemia (FA). Also called: Fanconi's anemia. Identifiers: Orphanet 84, MedGen C0015625, MeSH D005199, MONDO:0019391.

Allele frequency attached by ClinVar (database versions not stated): TOPMed below 0.00001; gnomAD 0.00001; gnomAD exomes 0.00002; ExAC 0.00007.
gnomAD v4.1: 10 of 1,598,302 alleles (0.00063%); highest among the groups gnomAD compares: Non-Finnish European, 0.00086%; no homozygotes.

Submission:

Labcorp Genetics (formerly Invitae), Labcorp
Classification: Uncertain significance for Fanconi anemia. Last evaluated: 2023-01-20. Review status: criteria provided, single submitter. Criteria: Invitae Variant Classification Sherloc (09022015). Collection method: clinical testing. Allele origin: germline.
Comment: Algorithms developed to predict the effect of missense changes on protein structure and function (SIFT, PolyPhen-2, Align-GVGD) all suggest that this variant is likely to be tolerated. This variant has not been reported in the literature in individuals affected with FANCD2-related conditions. This variant is present in population databases (rs778219361, gnomAD 0.006%). This sequence change replaces isoleucine, which is neutral and non-polar, with leucine, which is neutral and non-polar, at codon 796 of the FANCD2 protein (p.Ile796Leu). Algorithms developed to predict the effect of sequence changes on RNA splicing suggest that this variant may disrupt the consensus splice site. In summary, the available evidence is currently insufficient to determine the role of this variant in disease. Therefore, it has been classified as a Variant of Uncertain Significance.

NM_001018115.3(FANCD2):c.2386A>C (p.Ile796Leu)

Genes: FANCD2 (FA complementation group D2; plus strand), LOC107303338 (3p25 FANCD2 Alu-mediated recombination region; plus strand). Cytogenetic location: 3p25.3.
Variant type: single nucleotide variant.
Coding change: c.2386A>C on transcript NM_001018115.3 (MANE Select); coding-DNA position 2386, A replaced by C.
Protein change: p.Ile796Leu; replaces isoleucine 796 with leucine.
Molecular consequence: missense variant.
Genome position (GRCh38, 1-based): chr3:10,067,209, A>C. VCF-style: chr3-10067209-A-C. GRCh37 (hg19) VCF-style: chr3-10108893-A-C.
Other names: c.2386A>C, p.Ile796Leu (NM_001319984.2, NM_001374254.1, NM_033084.6); c.2275A>C, p.Ile759Leu (NM_001374253.1); short protein forms I796L, I759L.
Identifiers: ClinVar variation 2724227 (VCV002724227.1), dbSNP rs778219361, ClinGen allele CA2250072.